The following is an entry in ClinVar:

ClinVar aggregate classification (germline): Uncertain significance (1 of 4 stars; one submission).

Submission:

Labcorp Genetics (formerly Invitae), Labcorp
Classification: Uncertain significance. Last evaluated: 2022-07-25. Review status: criteria provided, single submitter. Criteria: Invitae Variant Classification Sherloc (09022015). Collection method: clinical testing. Allele origin: germline.
Comment: Algorithms developed to predict the effect of missense changes on protein structure and function output the following: SIFT: "Tolerated"; PolyPhen-2: "Benign"; Align-GVGD: "Class C0". The asparagine amino acid residue is found in multiple mammalian species, which suggests that this missense change does not adversely affect protein function. In summary, the available evidence is currently insufficient to determine the role of this variant in disease. Therefore, it has been classified as a Variant of Uncertain Significance. ClinVar contains an entry for this variant (Variation ID: 1485960). This variant has not been reported in the literature in individuals affected with RP1-related conditions. This variant is not present in population databases (gnomAD no frequency). This sequence change replaces aspartic acid, which is acidic and polar, with asparagine, which is neutral and polar, at codon 1711 of the RP1 protein (p.Asp1711Asn).

NM_006269.2(RP1):c.5131G>A (p.Asp1711Asn)

Genes: RP1 (RP1 axonemal microtubule associated; plus strand), LOC126860392 (CDK7 strongly-dependent group 2 enhancer GRCh37_chr8:55541319-55542518; plus strand). Cytogenetic location: 8q12.1.
Variant type: single nucleotide variant.
Coding change: c.5131G>A on transcript NM_006269.2 (MANE Select); coding-DNA position 5131, G replaced by A.
Protein change: p.Asp1711Asn; replaces aspartic acid 1711 with asparagine.
Molecular consequence: missense variant. On other transcripts: intron variant (1).
Genome position (GRCh38, 1-based): chr8:54,629,013, G>A. VCF-style: chr8-54629013-G-A. GRCh37 (hg19) VCF-style: chr8-55541573-G-A.
Other names: c.787+6725G>A (NM_001375654.1); short protein forms D1711N.
Identifiers: ClinVar variation 1485960 (VCV001485960.8), dbSNP rs2129318021, ClinGen allele CA370984917.
Genomic context (GRCh38, chr8:54,629,013, plus strand): 5'-TCTATGTTGCAGGAATTCCAGGAGGAAAGACAAGATAAGTGTGATGTTAGTGCTGTGAGG[G>A]ACAATTATTGTAGGGGTGACATTGTAGAACCTGGTACAAAACAAAATGATGATAGCAGAA-3'
Protein context (NP_006260.1, residues 1701-1721): QDKCDVSAVR[Asp1711Asn]NYCRGDIVEP